The following is an entry in ClinVar:

ClinVar aggregate classification (germline): Uncertain significance (1 of 4 stars; one submission).

Conditions:
Combined immunodeficiency due to DOCK8 deficiency (HIES2). Also called: HIES autosomal recessive; Hyper-IgE recurrent infection syndrome, autosomal recessive; HYPER-IgE RECURRENT INFECTION SYNDROME 2, AUTOSOMAL RECESSIVE; HYPER-IgE SYNDROME 2, AUTOSOMAL RECESSIVE, WITH RECURRENT INFECTIONS; DOCK8 Deficiency. Identifiers: Orphanet 217390, MedGen C4722305, MONDO:0009478, OMIM 243700.

Allele frequency attached by ClinVar (database versions not stated): gnomAD 0.00001; TOPMed 0.00001; ExAC 0.00002; gnomAD exomes 0.00002.
gnomAD v4.1: 18 of 1,613,950 alleles (0.0011%); highest among the groups gnomAD compares: South Asian, 0.016%; no homozygotes.

Submission:

Labcorp Genetics (formerly Invitae), Labcorp
Classification: Uncertain significance for Combined immunodeficiency due to DOCK8 deficiency. Last evaluated: 2021-08-27. Review status: criteria provided, single submitter. Criteria: Invitae Variant Classification Sherloc (09022015). Collection method: clinical testing. Allele origin: germline.
Comment: This sequence change replaces serine with threonine at codon 1084 of the DOCK8 protein (p.Ser1084Thr). The serine residue is weakly conserved and there is a small physicochemical difference between serine and threonine. This variant is present in population databases (rs758127991, ExAC 0.01%). This variant has not been reported in the literature in individuals affected with DOCK8-related conditions. Algorithms developed to predict the effect of missense changes on protein structure and function output the following: SIFT: "Tolerated"; PolyPhen-2: "Benign"; Align-GVGD: "Class C0". The threonine amino acid residue is found in multiple mammalian species, which suggests that this missense change does not adversely affect protein function. In summary, the available evidence is currently insufficient to determine the role of this variant in disease. Therefore, it has been classified as a Variant of Uncertain Significance.

NM_203447.4(DOCK8):c.3251G>C (p.Ser1084Thr)

Gene: DOCK8 (dedicator of cytokinesis 8; plus strand). Cytogenetic location: 9p24.3.
Variant type: single nucleotide variant.
Coding change: c.3251G>C on transcript NM_203447.4 (MANE Select); coding-DNA position 3251, G replaced by C.
Protein change: p.Ser1084Thr; replaces serine 1084 with threonine.
Molecular consequence: missense variant.
Genome position (GRCh38, 1-based): chr9:404,934, G>C. VCF-style: chr9-404934-G-C. GRCh37 (hg19) VCF-style: chr9-404934-G-C.
Other names: c.2951G>C, p.Ser984Thr (NM_001190458.2); c.3047G>C, p.Ser1016Thr (NM_001193536.2); short protein forms S1084T, S984T, S1016T.
Identifiers: ClinVar variation 1414876 (VCV001414876.5), dbSNP rs758127991, ClinGen allele CA4958617.